The following is an entry in ClinVar:

ClinVar aggregate classification (germline): Uncertain significance (1 of 4 stars; one submission).

gnomAD v4.1: 1 of 1,614,058 alleles (0.000062%); highest among the groups gnomAD compares: East Asian, 0.0022%; no homozygotes.

Submission:

Women's Health and Genetics/Laboratory Corporation of America, LabCorp
Classification: Uncertain significance. Last evaluated: 2026-06-23. Review status: criteria provided, single submitter. Criteria: LabCorp Variant Classification Summary - May 2015. Collection method: clinical testing. Allele origin: germline.
Comment: Variant summary: USH1C c.387+5G>A alters a conserved nucleotide located close to a canonical splice site and therefore could affect mRNA splicing, leading to a significantly altered protein sequence. Several computational tools predict a significant impact on normal splicing: Four predict the variant weakens a 5' donor site. However, these predictions have yet to be confirmed by functional studies. The variant was absent in 250560 control chromosomes. The available data on variant occurrences in the general population are insufficient to allow any conclusion about variant significance. To our knowledge, no occurrence of c.387+5G>A in individuals affected with USH1C-related conditions and no experimental evidence demonstrating its impact on protein function have been reported. No submitters have cited clinical-significance assessments for this variant to ClinVar. Based on the evidence outlined above, the variant was classified as uncertain significance.

NM_153676.4(USH1C):c.387+5G>A

Gene: USH1C (USH1 protein network component harmonin; minus strand). Cytogenetic location: 11p15.1.
Variant type: single nucleotide variant.
Coding change: c.387+5G>A on transcript NM_153676.4 (MANE Select); 5 bases into the intron after coding-DNA position 387, G replaced by A.
Molecular consequence: intron variant.
Genome position (GRCh38, 1-based): chr11:17,531,149, C>T on the plus strand (G>A on the coding strand, the complement: USH1C is on the minus strand). VCF-style: chr11-17531149-C-T. GRCh37 (hg19) VCF-style: chr11-17552696-C-T.
Other names: c.387+5G>A (NM_001297764.2, NM_001440687.1, NM_001440681.1 and 5 more transcripts); c.420+5G>A (NM_001440686.1, NM_001440684.1, NM_001440679.1).
Identifiers: ClinVar variation 4887745 (VCV004887745.1).